The following is an entry in ClinVar:

NM_014363.6(SACS):c.5903C>T (p.Ala1968Val)

Gene: SACS (sacsin molecular chaperone; minus strand). Cytogenetic location: 13q12.12.
Variant type: single nucleotide variant.
Coding change: c.5903C>T on transcript NM_014363.6 (MANE Select); coding-DNA position 5903, C replaced by T.
Protein change: p.Ala1968Val; replaces alanine 1968 with valine.
Molecular consequence: missense variant.
Genome position (GRCh38, 1-based): chr13:23,337,973, G>A on the plus strand (C>T on the coding strand, the complement: SACS is on the minus strand). VCF-style: chr13-23337973-G-A. GRCh37 (hg19) VCF-style: chr13-23912112-G-A.
Other names: c.5462C>T, p.Ala1821Val (NM_001278055.2); short protein forms A1968V, A1821V.
Identifiers: ClinVar variation 967786 (VCV000967786.15), dbSNP rs201866523, ClinGen allele CA6911174.

ClinVar aggregate classification (germline): Conflicting classifications of pathogenicity. Review status: criteria provided, conflicting classifications (1 of 4 stars). 5 submissions from 5 submitters: Uncertain significance (4); Likely benign (1). Last evaluated 2025-04-23.

Conditions:
Spastic paraplegia. Identifiers: MedGen C0037772, HP:0001258.
Charlevoix-Saguenay spastic ataxia (SACS). Also called: SPASTIC ATAXIA 6, AUTOSOMAL RECESSIVE; AUTOSOMAL RECESSIVE SPASTIC ATAXIA OF CHARLEVOIX-SAGUENAY; Spastic ataxia of Charlevoix-Saguenay. Identifiers: Orphanet 98, MedGen C1849140, MONDO:0010041, OMIM 270550.
Inborn genetic diseases. Identifiers: MedGen C0950123, MeSH D030342.

Allele frequency attached by ClinVar (database versions not stated): gnomAD exomes 0.00007 and 0.00012; ExAC 0.00010; gnomAD 0.00010 and 0.00011; TOPMed 0.00011.
gnomAD v4.1: 183 of 1,613,804 alleles (0.011%); highest among the groups gnomAD compares: Non-Finnish European, 0.014%; no homozygotes.

Submissions (5):

Labcorp Genetics (formerly Invitae), Labcorp
Classification: Likely benign for Spastic paraplegia. Last evaluated: 2025-04-23. Review status: criteria provided, single submitter. Criteria: Invitae Variant Classification Sherloc (09022015). Collection method: clinical testing. Allele origin: germline.

Ambry Genetics
Classification: Uncertain significance for Inborn genetic diseases. Last evaluated: 2022-12-14. Review status: criteria provided, single submitter. Criteria: Ambry Variant Classification Scheme 2023. Collection method: clinical testing. Allele origin: germline.

GeneDx
Classification: Uncertain significance. Last evaluated: 2021-10-12. Review status: criteria provided, single submitter. Criteria: GeneDx Variant Classification Process June 2021. Collection method: clinical testing. Allele origin: germline. Affected: yes.
Comment: In silico analysis supports that this missense variant does not alter protein structure/function; Has not been previously published as pathogenic or benign to our knowledge

Genome-Nilou Lab
Classification: Uncertain significance for Charlevoix-Saguenay spastic ataxia. Last evaluated: 2021-09-05. Review status: criteria provided, single submitter. Criteria: ACMG Guidelines, 2015. Collection method: clinical testing. Allele origin: germline. Affected: no.

Blueprint Genetics
Classification: Uncertain significance. Last evaluated: 2018-09-07. Review status: criteria provided, single submitter. Criteria: ACMG Guidelines, 2015. Collection method: clinical testing. Allele origin: germline.